The following is an entry in ClinVar:

NM_002471.4(MYH6):c.2296T>C (p.Phe766Leu)

Gene: MYH6 (myosin heavy chain 6; minus strand). Cytogenetic location: 14q11.2.
Variant type: single nucleotide variant.
Coding change: c.2296T>C on transcript NM_002471.4 (MANE Select); coding-DNA position 2296, T replaced by C.
Protein change: p.Phe766Leu; replaces phenylalanine 766 with leucine.
Molecular consequence: missense variant.
Genome position (GRCh38, 1-based): chr14:23,396,417, A>G on the plus strand (T>C on the coding strand, the complement: MYH6 is on the minus strand). VCF-style: chr14-23396417-A-G. GRCh37 (hg19) VCF-style: chr14-23865626-A-G.
Other names: short protein forms F766L.
Identifiers: ClinVar variation 4854616 (VCV004854616.1).

ClinVar aggregate classification (germline): Uncertain significance (1 of 4 stars; one submission).

Conditions:
Hypertrophic cardiomyopathy 14. Identifiers: MedGen C2750467, MONDO:0013197, OMIM 613251.

gnomAD v4.1: 2 of 1,613,814 alleles (0.00012%); highest among the groups gnomAD compares: East Asian, 0.0022%; no homozygotes.

Submission:

3billion
Classification: Uncertain significance for Hypertrophic cardiomyopathy 14. Last evaluated: 2025-07-08. Review status: criteria provided, single submitter. Criteria: ACMG Guidelines, 2015. Collection method: clinical testing. Allele origin: germline. Affected: yes.
Comment: The variant is observed at an extremely low frequency in the gnomAD v4.1.0 dataset (total allele frequency: <0.001%). Predicted Consequence/Location: Missense variant In silico tool predictions suggest damaging effect of the variant on gene or gene product [REVEL: 0.93 (>=0.6, sensitivity 0.68 and specificity 0.92); 3Cnet: 0.99 (> 0.75, sensitivity 0.96 and precision 0.92)]. Therefore, this variant is classified as VUS according to the recommendation of ACMG/AMP guideline.